The following is an entry in ClinVar:

NM_006269.2(RP1):c.4352T>G (p.Ile1451Arg)

Gene: RP1 (RP1 axonemal microtubule associated; plus strand). Cytogenetic location: 8q12.1.
Variant type: single nucleotide variant.
Coding change: c.4352T>G on transcript NM_006269.2 (MANE Select); coding-DNA position 4352, T replaced by G.
Protein change: p.Ile1451Arg; replaces isoleucine 1451 with arginine.
Molecular consequence: missense variant. On other transcripts: intron variant (1).
Genome position (GRCh38, 1-based): chr8:54,628,234, T>G. VCF-style: chr8-54628234-T-G. GRCh37 (hg19) VCF-style: chr8-55540794-T-G.
Other names: c.787+5946T>G (NM_001375654.1); short protein forms I1451R.
Identifiers: ClinVar variation 1010632 (VCV001010632.7), dbSNP rs369927538, ClinGen allele CA4751852.
Genomic context (GRCh38, chr8:54,628,234, plus strand): 5'-AAAATGCATATACTTCCTTTGATATGGAAGAACCACGGACTTCTGAAGAACCAGGCTCAA[T>G]AACCAACAGCATGACATCAAGTGAAAGAAACATTTCAGAATTGGAATCTTTTGAAGAATT-3'
Protein context (NP_006260.1, residues 1441-1461): EPRTSEEPGS[Ile1451Arg]TNSMTSSERN

ClinVar aggregate classification (germline): Uncertain significance. Review status: criteria provided, multiple submitters, no conflicts (2 of 4 stars). 2 submissions from 2 submitters: Uncertain significance (2). Last evaluated 2024-11-26.

Allele frequency attached by ClinVar (database versions not stated): gnomAD 0.00001; gnomAD exomes 0.00001 and 0.00006; ExAC 0.00002; TOPMed 0.00002; ESP Exome Variant Server 0.00008.
gnomAD v4.1: 85 of 1,613,902 alleles (0.0053%); highest among the groups gnomAD compares: Non-Finnish European, 0.007%; no homozygotes.

Submissions (2):

Blueprint Genetics
Classification: Uncertain significance. Last evaluated: 2024-11-26. Review status: criteria provided, single submitter. Criteria: ACMG Guidelines, 2015. Collection method: clinical testing. Allele origin: germline.

Labcorp Genetics (formerly Invitae), Labcorp
Classification: Uncertain significance. Last evaluated: 2024-11-11. Review status: criteria provided, single submitter. Criteria: Invitae Variant Classification Sherloc (09022015). Collection method: clinical testing. Allele origin: germline.
Comment: This sequence change replaces isoleucine, which is neutral and non-polar, with arginine, which is basic and polar, at codon 1451 of the RP1 protein (p.Ile1451Arg). This variant is present in population databases (rs369927538, gnomAD 0.0009%). This variant has not been reported in the literature in individuals affected with RP1-related conditions. ClinVar contains an entry for this variant (Variation ID: 1010632). An algorithm developed to predict the effect of missense changes on protein structure and function (PolyPhen-2) suggests that this variant is likely to be disruptive. In summary, the available evidence is currently insufficient to determine the role of this variant in disease. Therefore, it has been classified as a Variant of Uncertain Significance.